The following is an entry in ClinVar:

NM_003705.5(SLC25A12):c.272T>C (p.Phe91Ser)

Gene: SLC25A12 (solute carrier family 25 member 12; minus strand). Cytogenetic location: 2q31.1.
Variant type: single nucleotide variant.
Coding change: c.272T>C on transcript NM_003705.5 (MANE Select); coding-DNA position 272, T replaced by C.
Protein change: p.Phe91Ser; replaces phenylalanine 91 with serine.
Molecular consequence: missense variant.
Genome position (GRCh38, 1-based): chr2:171,855,887, A>G on the plus strand (T>C on the coding strand, the complement: SLC25A12 is on the minus strand). VCF-style: chr2-171855887-A-G. GRCh37 (hg19) VCF-style: chr2-172712397-A-G.
Other names: short protein forms F91S.
Identifiers: ClinVar variation 1381690 (VCV001381690.6), dbSNP rs2105905847, ClinGen allele CA349632345.

ClinVar aggregate classification (germline): Uncertain significance (1 of 4 stars; one submission).

Submission:

Labcorp Genetics (formerly Invitae), Labcorp
Classification: Uncertain significance. Last evaluated: 2021-09-20. Review status: criteria provided, single submitter. Criteria: Invitae Variant Classification Sherloc (09022015). Collection method: clinical testing. Allele origin: germline.
Comment: This sequence change replaces phenylalanine with serine at codon 91 of the SLC25A12 protein (p.Phe91Ser). The phenylalanine residue is moderately conserved and there is a large physicochemical difference between phenylalanine and serine. This variant is not present in population databases (ExAC no frequency). This variant has not been reported in the literature in individuals affected with SLC25A12-related conditions. Algorithms developed to predict the effect of missense changes on protein structure and function are either unavailable or do not agree on the potential impact of this missense change (SIFT: "Deleterious"; PolyPhen-2: "Possibly Damaging"; Align-GVGD: "Class C0"). In summary, the available evidence is currently insufficient to determine the role of this variant in disease. Therefore, it has been classified as a Variant of Uncertain Significance.